The following is an entry in ClinVar:

NM_000092.5(COL4A4):c.559-2A>G

Gene: COL4A4 (collagen type IV alpha 4 chain; minus strand). Cytogenetic location: 2q36.3.
Variant type: single nucleotide variant.
Coding change: c.559-2A>G on transcript NM_000092.5 (MANE Select); the canonical splice acceptor site of the intron before coding-DNA position 559, A replaced by G.
Molecular consequence: splice acceptor variant.
Genome position (GRCh38, 1-based): chr2:227,111,715, T>C on the plus strand (A>G on the coding strand, the complement: COL4A4 is on the minus strand). VCF-style: chr2-227111715-T-C. GRCh37 (hg19) VCF-style: chr2-227976431-T-C.
Other names: c.559-2A>G (NM_000092.4).
Identifiers: ClinVar variation 1066915 (VCV001066915.13), dbSNP rs766243664, ClinGen allele CA350860383.

ClinVar aggregate classification (germline): Pathogenic/Likely pathogenic. Review status: criteria provided, multiple submitters, no conflicts (2 of 4 stars). 5 submissions from 5 submitters: Pathogenic (1); Likely pathogenic (3). 1 of the submissions does not count toward it. Last evaluated 2025-12-17.

Conditions:
Hematuria, benign familial, 1 (BFH1). Also called: THIN MEMBRANE NEPHROPATHY. Identifiers: MedGen CN376803, MONDO:0007709, OMIM 141200.
Autosomal recessive Alport syndrome (ATS2). Also called: COL4A4 Alport Syndrome and Thin Basement Membrane Nephropathy; COL4A3-Related Nephropathy; Alport syndrome type 2; ALPORT SYNDROME 2, AUTOSOMAL RECESSIVE. Identifiers: Orphanet 63, Orphanet 88919, MedGen C4746745, MONDO:0008762, OMIM 203780.
COL4A4-related disorder.
Alport syndrome. Also called: Hemorrhagic familial nephritis; Hemorrhagic hereditary nephritis; Congenital hereditary hematuria. Identifiers: Orphanet 63, MedGen C1567741, MONDO:0018965.

Allele frequency attached by ClinVar (database versions not stated): gnomAD 0.00001.
gnomAD v4.1: 1 of 1,613,796 alleles (0.000062%); highest among the groups gnomAD compares: African/African-American, 0.0013%; no homozygotes.

Submissions (5):

PreventionGenetics, part of Exact Sciences
Classification: Likely pathogenic for COL4A4-related condition. Last evaluated: 2025-12-17. Review status: criteria provided, single submitter. Criteria: ACMG Guidelines, 2015. Collection method: clinical testing. Allele origin: germline.
Comment: The COL4A4 c.559-2A>G variant is predicted to disrupt the AG splice acceptor site and interfere with normal splicing. To our knowledge, this variant has not been reported in the literature or in a large population database (gnomAD), indicating this variant is rare. Variants that disrupt the consensus splice acceptor site in COL4A4 are expected to be pathogenic. This variant is interpreted as likely pathogenic.

Myriad Genetics, Inc.
Classification: Likely pathogenic for Alport syndrome. Last evaluated: 2025-04-01. Review status: criteria provided, single submitter. Criteria: Myriad Autosomal Dominant, Autosomal Recessive and X-Linked Classification Criteria (2023). Collection method: clinical testing. Allele origin: unknown.
Comment: NM_000092.4(COL4A4):c.559-2A>G is a variant in a canonical splice site classified as likely pathogenic in the context of Alport syndrome, COL4A4-related. c.559-2A>G has not been observed in cases with relevant disease. Relevant functional assessments of this variant are not available in the literature. c.559-2A>G has not been observed in referenced population frequency databases. In summary, NM_000092.4(COL4A4):c.559-2A>G is a variant in a canonical splice site in a gene where loss of function is a known mechanism of disease, is predicted to disrupt protein function, and has been observed more frequently in cases with the relevant disease than in healthy populations. Please note: this variant was assessed in the context of healthy population screening.

Labcorp Genetics (formerly Invitae), Labcorp
Classification: Pathogenic. Last evaluated: 2025-01-15. Review status: criteria provided, single submitter. Criteria: Invitae Variant Classification Sherloc (09022015). Collection method: clinical testing. Allele origin: germline.
Comment: This sequence change affects an acceptor splice site in intron 8 of the COL4A4 gene. It is expected to disrupt RNA splicing. Variants that disrupt the donor or acceptor splice site typically lead to a loss of protein function (PMID: 16199547), and loss-of-function variants in COL4A4 are known to be pathogenic (PMID: 21196518, 24854265, 25307543). This variant is not present in population databases (gnomAD no frequency). Disruption of this splice site has been observed in individual(s) with Alport syndrome (PMID: 33532864). In at least one individual the data is consistent with being in trans (on the opposite chromosome) from a pathogenic variant. ClinVar contains an entry for this variant (Variation ID: 1066915). Algorithms developed to predict the effect of sequence changes on RNA splicing suggest that this variant may disrupt the consensus splice site. For these reasons, this variant has been classified as Pathogenic.

Fulgent Genetics
Classification: Likely pathogenic for Hematuria, benign familial, 1; Autosomal recessive Alport syndrome. Last evaluated: 2024-03-13. Review status: criteria provided, single submitter. Criteria: ACMG Guidelines, 2015. Collection method: clinical testing. Allele origin: germline.

Natera, Inc.
Classification: Likely pathogenic for Alport syndrome. Last evaluated: 2021-06-23. Review status: no assertion criteria provided. Collection method: clinical testing. Allele origin: germline. Not counted in ClinVar's aggregate classification.

Literature cited by the submitters: PubMed 16199547 (cited by Labcorp Genetics (formerly Invitae), Labcorp); PubMed 21196518 (cited by Labcorp Genetics (formerly Invitae), Labcorp); PubMed 24854265 (cited by Labcorp Genetics (formerly Invitae), Labcorp); PubMed 25307543 (cited by Labcorp Genetics (formerly Invitae), Labcorp); PubMed 33532864 (cited by Labcorp Genetics (formerly Invitae), Labcorp).